The following is an entry in ClinVar:

ClinVar aggregate classification (germline): Likely pathogenic (1 of 4 stars; one submission).

Submission:

Clinical Genomics Laboratory, Laboratory for Precision Diagnostics, University of Washington
Classification: Likely pathogenic. Last evaluated: 2024-12-20. Review status: criteria provided, single submitter. Criteria: ACMG/ClinGen CNV Guidelines, 2019. Collection method: clinical testing. Allele origin: unknown. Affected: yes. Observed: 1 variant allele.
Comment: This interstitial duplication is approximately 3.33 Mb in size and contains 34 protein-coding genes. It encompasses both the proximal 1q21.1 region (BP2-BP3) and the distal 1q21.1 region (BP3-BP4). See PMID: 37881147 for a recent summary of the findings in people with this duplication. Of the 27 people with this duplication summarized by these authors, 39% had developmental delay or behavioral problems. Just over a third of the people who had a cardiac exam were found to have a cardiovascular anomaly. There was a higher than usual frequency of widely spaced eyes, thin lips, and a larger than normal head circumference. The duplication was inherited in 11 of 17 people for whom inheritance was known, all from unaffected mothers.

Literature cited by the submitters: PubMed 37881147.

GRCh38/hg38 1q21.1-21.2(chr1:145690537-149017871)x3

Genes: ACP6 (acid phosphatase 6, lysophosphatidic; minus strand), ANKRD34A (ankyrin repeat domain 34A; minus strand), ANKRD35 (ankyrin repeat domain 35; minus strand), ANKRD35-DT (ANKRD35 divergent transcript; plus strand), BCL9 (BCL9 transcription coactivator; plus strand) and 127 more. Cytogenetic location: 1q21.1-21.2.
Variant type: copy number gain.
Change: copy number 3 (three copies instead of two) of chr1:145,690,537-149,017,871 (3.33 Mb, GRCh38 coordinates, 1-based), cytogenetic band 1q21.1-21.2.
Identifiers: ClinVar variation 4974724 (VCV004974724.1).